The following is an entry in ClinVar:

NM_001267550.2(TTN):c.3716A>C (p.Tyr1239Ser)

Gene: TTN (titin; minus strand). Cytogenetic location: 2q31.2.
Variant type: single nucleotide variant.
Coding change: c.3716A>C on transcript NM_001267550.2 (MANE Select); coding-DNA position 3716, A replaced by C.
Protein change: p.Tyr1239Ser; replaces tyrosine 1239 with serine.
Molecular consequence: missense variant.
Genome position (GRCh38, 1-based): chr2:178,780,013, T>G on the plus strand (A>C on the coding strand, the complement: TTN is on the minus strand). VCF-style: chr2-178780013-T-G. GRCh37 (hg19) VCF-style: chr2-179644740-T-G.
Other names: p.Y1239S:TAT>TCT; c.3578A>C, p.Tyr1193Ser (NM_003319.4, NM_133432.3, NM_133437.4); c.3716A>C, p.Tyr1239Ser (NM_133378.4, NM_133379.5, NM_001256850.1); short protein forms Y1239S, Y1193S.
Identifiers: ClinVar variation 203109 (VCV000203109.2), dbSNP rs794729569, ClinGen allele CA311269.

ClinVar aggregate classification (germline): Uncertain significance (1 of 4 stars; one submission).

Submission:

GeneDx
Classification: Uncertain significance. Last evaluated: 2014-07-11. Review status: criteria provided, single submitter. Criteria: GeneDx Variant Classification (06012015). Collection method: clinical testing. Allele origin: germline. Affected: yes.
Comment: Missense variants in the TTN gene are considered 'unclassified' if they are not previously reported in the literature and do not have >1% frequency in the population to be considered a polymorphism. Research indicates that truncating mutations in the TTN gene are expected to account for approximately 25% of familial and 18% of sporadic idiopathic DCM; however, truncating variants in the TTN gene have been reported in approximately 3% of reported control alleles. There has been little investigation into non-truncating variants. (Herman D et al. Truncations of titin causing dilated cardiomyopathy. N Eng J Med 366:619-628, 2012) The variant is found in CARDIOMYOPATHY panel(s).